The following is an entry in ClinVar:

NM_013372.7(GREM1):c.172C>G (p.Arg58Gly)

Gene: GREM1 (gremlin 1, DAN family BMP antagonist; plus strand). Cytogenetic location: 15q13.3.
Variant type: single nucleotide variant.
Coding change: c.172C>G on transcript NM_013372.7 (MANE Select); coding-DNA position 172, C replaced by G.
Protein change: p.Arg58Gly; replaces arginine 58 with glycine.
Molecular consequence: missense variant. On other transcripts: intron variant (2).
Genome position (GRCh38, 1-based): chr15:32,730,862, C>G. VCF-style: chr15-32730862-C-G. GRCh37 (hg19) VCF-style: chr15-33023063-C-G.
Other names: c.172C>G, p.Arg58Gly (NM_001368719.1); c.114+58C>G (NM_001191323.2); c.28-66C>G (NM_001191322.2); short protein forms R58G.
Identifiers: ClinVar variation 3522508 (VCV003522508.1).

ClinVar aggregate classification (germline): Uncertain significance (1 of 4 stars; one submission).

Conditions:
Hereditary cancer-predisposing syndrome. Also called: Hereditary Cancer Syndrome; Hereditary neoplastic syndrome; Tumor predisposition; Neoplastic Syndromes, Hereditary. Identifiers: Orphanet 140162, MedGen C0027672, MeSH D009386, MONDO:0015356.

Submission:

Ambry Genetics
Classification: Uncertain significance for Hereditary cancer-predisposing syndrome. Last evaluated: 2024-07-29. Review status: criteria provided, single submitter. Criteria: Ambry Variant Classification Scheme 2023. Collection method: clinical testing. Allele origin: germline.
Comment: The p.R58G variant (also known as c.172C>G), located in coding exon 1 of the GREM1 gene, results from a C to G substitution at nucleotide position 172. The arginine at codon 58 is replaced by glycine, an amino acid with dissimilar properties. This amino acid position is conserved. In addition, this alteration is predicted to be tolerated by in silico analysis. Based on the available evidence, the clinical significance of this variant remains unclear.